The following is an entry in ClinVar:

NM_017617.5(NOTCH1):c.5282G>A (p.Arg1761Gln)

Gene: NOTCH1 (notch receptor 1; minus strand). Cytogenetic location: 9q34.3.
Variant type: single nucleotide variant.
Coding change: c.5282G>A on transcript NM_017617.5 (MANE Select); coding-DNA position 5282, G replaced by A.
Protein change: p.Arg1761Gln; replaces arginine 1761 with glutamine.
Molecular consequence: missense variant.
Genome position (GRCh38, 1-based): chr9:136,502,374, C>T on the plus strand (G>A on the coding strand, the complement: NOTCH1 is on the minus strand). VCF-style: chr9-136502374-C-T. GRCh37 (hg19) VCF-style: chr9-139396826-C-T.
Other names: c.5282G>A, p.Arg1761Gln (LRG_1122t1); short protein forms R1761Q.
Identifiers: ClinVar variation 477941 (VCV000477941.15), dbSNP rs750318685, ClinGen allele CA375640736.

ClinVar aggregate classification (germline): Conflicting classifications of pathogenicity. Review status: criteria provided, conflicting classifications (1 of 4 stars). 3 submissions from 3 submitters: Uncertain significance (2); Likely benign (1). Last evaluated 2026-01-11.

Conditions:
Adams-Oliver syndrome 5 (AOS5). Identifiers: Orphanet 974, MedGen C4014970, MONDO:0014459, OMIM 616028.
Familial thoracic aortic aneurysm and aortic dissection (TAAD). Also called: Thoracic aortic aneurysms and dissections. Identifiers: Orphanet 91387, MedGen C4707243, MONDO:0019625.

Allele frequency attached by ClinVar (database versions not stated): gnomAD exomes 0.00001; TOPMed 0.00001; 1000 Genomes Project 30x 0.00016.

Submissions (3):

Labcorp Genetics (formerly Invitae), Labcorp
Classification: Likely benign for Adams-Oliver syndrome 5. Last evaluated: 2026-01-11. Review status: criteria provided, single submitter. Criteria: Invitae Variant Classification Sherloc (09022015). Collection method: clinical testing. Allele origin: germline.

Ambry Genetics
Classification: Uncertain significance for Familial thoracic aortic aneurysm and aortic dissection. Last evaluated: 2025-06-05. Review status: criteria provided, single submitter. Criteria: Ambry Variant Classification Scheme 2023. Collection method: clinical testing. Allele origin: germline.
Comment: The p.R1761Q variant (also known as c.5282G>A), located in coding exon 28 of the NOTCH1 gene, results from a G to A substitution at nucleotide position 5282. The arginine at codon 1761 is replaced by glutamine, an amino acid with highly similar properties. This amino acid position is well conserved in available vertebrate species. In addition, the in silico prediction for this alteration is inconclusive. Since supporting evidence is limited at this time, the clinical significance of this alteration remains unclear.

Centre of Medical Genetics, University of Antwerp
Classification: Uncertain significance for Familial thoracic aortic aneurysm and aortic dissection. Last evaluated: 2024-09-06. Review status: criteria provided, single submitter. Criteria: ACMG Guidelines, 2015. Collection method: clinical testing. Allele origin: germline. Affected: yes.